The following is an entry in ClinVar:

ClinVar aggregate classification (germline): Uncertain significance (1 of 4 stars; one submission).

Submission:

Ambry Genetics
Classification: Uncertain significance. Last evaluated: 2022-05-01. Review status: criteria provided, single submitter. Criteria: Ambry Variant Classification Scheme 2023. Collection method: clinical testing. Allele origin: germline.
Comment: The p.E477K variant (also known as c.1429G>A), located in coding exon 3 of the ALPK2 gene, results from a G to A substitution at nucleotide position 1429. The glutamic acid at codon 477 is replaced by lysine, an amino acid with similar properties. This amino acid position is conserved. In addition, this alteration is predicted to be tolerated by in silico analysis. Since supporting evidence is limited at this time, the clinical significance of this alteration remains unclear.

NM_052947.4(ALPK2):c.1429G>A (p.Glu477Lys)

Gene: ALPK2 (alpha kinase 2; minus strand). Cytogenetic location: 18q21.31.
Variant type: single nucleotide variant.
Coding change: c.1429G>A on transcript NM_052947.4 (MANE Select); coding-DNA position 1429, G replaced by A.
Protein change: p.Glu477Lys; replaces glutamic acid 477 with lysine.
Molecular consequence: missense variant.
Genome position (GRCh38, 1-based): chr18:58,579,347, C>T on the plus strand (G>A on the coding strand, the complement: ALPK2 is on the minus strand). VCF-style: chr18-58579347-C-T. GRCh37 (hg19) VCF-style: chr18-56246579-C-T.
Other names: short protein forms E477K.
Identifiers: ClinVar variation 1772449 (VCV001772449.2), dbSNP rs777017717, ClinGen allele CA402563074.